The following is an entry in ClinVar:

NM_006236.3(POU3F3):c.576_605del (p.Ala195_Ala204del)

Gene: POU3F3 (POU class 3 homeobox 3; plus strand). Cytogenetic location: 2q12.1.
Variant type: Deletion.
Coding change: c.576_605del on transcript NM_006236.3 (MANE Select); coding-DNA positions 576 to 605, 30 bases deleted (TGCCGCAGCCGCAGCCGCCGCCGCCGCCGC).
Protein change: p.Ala195_Ala204del.
Molecular consequence: inframe deletion.
Genome position (GRCh38, 1-based): chr2:104,856,086-104,856,115, TGCCGCAGCCGCAGCCGCCGCCGCCGCCGC deleted; deleting any 30 consecutive bases within chr2:104,856,078-104,856,115 gives the same sequence; the c. name uses the placement nearest the transcript's 3' end. VCF-style (leftmost placement, unchanged base first): chr2-104856077-GGCCGCCGCTGCCGCAGCCGCAGCCGCCGCC-G. GRCh37 (hg19) VCF-style: chr2-105472535-GGCCGCCGCTGCCGCAGCCGCAGCCGCCGCC-G.
Identifiers: ClinVar variation 3381664 (VCV003381664.2).

ClinVar aggregate classification (germline): Uncertain significance (1 of 4 stars; one submission).

Submission:

GeneDx
Classification: Uncertain significance. Last evaluated: 2026-08-03. Review status: criteria provided, single submitter. Criteria: GeneDx Variant Classification Process June 2021. Collection method: clinical testing. Allele origin: germline.
Comment: In-frame deletion of 10 amino acids in a non-repeat region; Not observed at significant frequency in large population cohorts (gnomAD); In silico analysis suggests that this variant does not alter protein structure/function; Has not been previously published as pathogenic or benign to our knowledge